The following is an entry in ClinVar:

NM_001099289.3(SH3RF3):c.386C>G (p.Thr129Ser)

Genes: RANBP2 (RAN binding protein 2; plus strand), SH3RF3 (SH3 domain containing ring finger 3; plus strand), SH3RF3-AS1 (SH3RF3 antisense RNA 1; minus strand). Cytogenetic location: 2q13.
Variant type: single nucleotide variant.
Coding change: c.386C>G on transcript NM_001099289.3 (MANE Select); coding-DNA position 386, C replaced by G.
Protein change: p.Thr129Ser; replaces threonine 129 with serine.
Molecular consequence: missense variant. On other transcripts: non-coding transcript variant (1).
Genome position (GRCh38, 1-based): chr2:109,129,926, C>G. VCF-style: chr2-109129926-C-G. GRCh37 (hg19) VCF-style: chr2-109746382-C-G.
Other names: short protein forms T129S.
Identifiers: ClinVar variation 3953836 (VCV003953836.1).

ClinVar aggregate classification (germline): Uncertain significance (1 of 4 stars; one submission).

gnomAD v4.1: 4 of 1,490,926 alleles (0.00027%); highest among the groups gnomAD compares: Non-Finnish European, 0.00036%; no homozygotes.

Submission:

Ambry Genetics
Classification: Uncertain significance. Last evaluated: 2025-04-15. Review status: criteria provided, single submitter. Criteria: Ambry Variant Classification Scheme 2023. Collection method: clinical testing. Allele origin: germline.
Comment: The c.386C>G (p.T129S) alteration is located in exon (coding exon ) of the SH3RF3 gene. This alteration results from a C to G substitution at nucleotide position 386, causing the threonine (T) at amino acid position 129 to be replaced by a serine (S). Based on insufficient or conflicting evidence, the clinical significance of this alteration remains unclear.